The following is an entry in ClinVar:

NM_177531.6(PKHD1L1):c.5777-5_5777-4del

Gene: PKHD1L1 (PKHD1 like 1; plus strand). Cytogenetic location: 8q23.1.
Variant type: Deletion.
Coding change: c.5777-5_5777-4del on transcript NM_177531.6 (MANE Select); 5 bases into the intron before coding-DNA position 5777 through 4 bases into the intron before coding-DNA position 5777, 2 bases deleted (TT; older notation c.5777-5_5777-4delTT).
Molecular consequence: intron variant.
Genome position (GRCh38, 1-based): chr8:109,448,138-109,448,139, TT deleted; deleting any 2 consecutive bases within chr8:109,448,127-109,448,139 gives the same sequence; the c. name uses the placement nearest the transcript's 3' end. VCF-style (leftmost placement, unchanged base first): chr8-109448126-CTT-C. GRCh37 (hg19) VCF-style: chr8-110460355-CTT-C.
Identifiers: ClinVar variation 3352577 (VCV003352577.1).

ClinVar aggregate classification (germline): Likely benign (0 of 4 stars; one submission).

Conditions:
PKHD1L1-related disorder. Also called: PKHD1L1-related condition.

Submission:

PreventionGenetics, part of Exact Sciences
Classification: Likely benign for PKHD1L1-related condition. Last evaluated: 2024-05-24. Review status: no assertion criteria provided. Collection method: clinical testing. Allele origin: germline.
Comment: This variant is classified as likely benign based on ACMG/AMP sequence variant interpretation guidelines (Richards et al. 2015 PMID: 25741868, with internal and published modifications).